The following is an entry in ClinVar:

NM_000179.3(MSH6):c.106G>C (p.Ala36Pro)

Gene: MSH6 (mutS homolog 6; plus strand). Cytogenetic location: 2p16.3.
Variant type: single nucleotide variant.
Coding change: c.106G>C on transcript NM_000179.3 (MANE Select); coding-DNA position 106, G replaced by C.
Protein change: p.Ala36Pro; replaces alanine 36 with proline.
Molecular consequence: missense variant. On other transcripts: 5 prime UTR variant (7), synonymous variant (1), non-coding transcript variant (5), intron variant (5).
Genome position (GRCh38, 1-based): chr2:47,783,339, G>C. VCF-style: chr2-47783339-G-C. GRCh37 (hg19) VCF-style: chr2-48010478-G-C.
Other names: c.106G>C, p.Ala36Pro (NM_001281492.2, NM_001406795.1, NM_001406796.1 and 9 more transcripts); c.-631G>C (NM_001281493.2, NM_001406811.1); c.-223G>C (NM_001406799.1); c.51G>C, p.Pro17= (NM_001406804.1); c.-823G>C (NM_001406807.1); c.-478G>C (NM_001406812.1); c.-889G>C (NM_001406814.1); c.-434G>C (NM_001406816.1); and 3 more; short protein forms A36P.
Identifiers: ClinVar variation 5024899 (VCV005024899.1).
Genomic context (GRCh38, chr2:47,783,339, plus strand): 5'-GCGCTGAGTGATGCCAACAAGGCCTCGGCCAGGGCCTCACGCGAAGGCGGCCGTGCCGCC[G>C]CTGCCCCCGGGGCCTCTCCTTCCCCAGGCGGGGATGCGGCCTGGAGCGAGGCTGGGCCTG-3'
Protein context (NP_000170.1, residues 26-46): RASREGGRAA[Ala36Pro]APGASPSPGG

ClinVar aggregate classification (germline): Uncertain significance (1 of 4 stars; one submission).

Conditions:
Hereditary cancer-predisposing syndrome. Also called: Neoplastic Syndromes, Hereditary; Tumor predisposition; Hereditary neoplastic syndrome; Hereditary Cancer Syndrome. Identifiers: Orphanet 140162, MedGen C0027672, MeSH D009386, MONDO:0015356.

Submission:

Ambry Genetics
Classification: Uncertain significance for Hereditary cancer-predisposing syndrome. Last evaluated: 2026-07-06. Review status: criteria provided, single submitter. Criteria: Ambry Variant Classification Scheme 2023. Collection method: clinical testing. Allele origin: germline.
Comment: The p.A36P variant (also known as c.106G>C), located in coding exon 1 of the MSH6 gene, results from a G to C substitution at nucleotide position 106. The alanine at codon 36 is replaced by proline, an amino acid with highly similar properties. This amino acid position is conserved. In addition, this alteration is predicted to be tolerated by in silico analysis. Based on the available evidence, the clinical significance of this variant remains unclear.